The following is an entry in ClinVar:

ClinVar aggregate classification (germline): Uncertain significance (1 of 4 stars; one submission).

Conditions:
Nemaline myopathy 5 (NEM5A). Also called: NEMALINE MYOPATHY 5A, AUTOSOMAL RECESSIVE, SEVERE INFANTILE; Nemaline myopathy 5, Amish type; NEMALINE MYOPATHY, AMISH TYPE. Identifiers: Orphanet 98902, MedGen C1854380, MONDO:0011539, OMIM 605355.

Submission:

Labcorp Genetics (formerly Invitae), Labcorp
Classification: Uncertain significance for Nemaline myopathy 5. Last evaluated: 2019-05-30. Review status: criteria provided, single submitter. Criteria: Invitae Variant Classification Sherloc (09022015). Collection method: clinical testing. Allele origin: germline.
Comment: In summary, the available evidence is currently insufficient to determine the role of this variant in disease. Therefore, it has been classified as a Variant of Uncertain Significance. Algorithms developed to predict the effect of missense changes on protein structure and function are either unavailable or do not agree on the potential impact of this missense change (SIFT: "Tolerated"; PolyPhen-2: "Possibly Damaging"; Align-GVGD: "Class C0"). This variant has not been reported in the literature in individuals with TNNT1-related conditions. This variant is not present in population databases (ExAC no frequency). This sequence change replaces isoleucine with methionine at codon 195 of the TNNT1 protein (p.Ile195Met). The isoleucine residue is moderately conserved and there is a small physicochemical difference between isoleucine and methionine.

NM_003283.6(TNNT1):c.585T>G (p.Ile195Met)

Gene: TNNT1 (troponin T1, slow skeletal type; minus strand). Cytogenetic location: 19q13.42.
Variant type: single nucleotide variant.
Coding change: c.585T>G on transcript NM_003283.6 (MANE Select); coding-DNA position 585, T replaced by G.
Protein change: p.Ile195Met; replaces isoleucine 195 with methionine.
Molecular consequence: missense variant.
Genome position (GRCh38, 1-based): chr19:55,137,129, A>C on the plus strand (T>G on the coding strand, the complement: TNNT1 is on the minus strand). VCF-style: chr19-55137129-A-C. GRCh37 (hg19) VCF-style: chr19-55648497-A-C.
Other names: c.585T>G, p.Ile195Met (NM_001126132.3); c.552T>G, p.Ile184Met (NM_001126133.3, NM_001291774.2); short protein forms I184M, I195M.
Identifiers: ClinVar variation 934742 (VCV000934742.10), dbSNP rs2085359369, ClinGen allele CA407432646.